The following is an entry in ClinVar:

NM_002103.5(GYS1):c.-125C>T

Genes: GYS1 (glycogen synthase 1; minus strand), LOC130064896 (ATAC-STARR-seq lymphoblastoid silent region 10910; plus strand). Cytogenetic location: 19q13.33.
Variant type: single nucleotide variant.
Coding change: c.-125C>T on transcript NM_002103.5 (MANE Select); 125 bases upstream of the start codon, C replaced by T.
Molecular consequence: 5 prime UTR variant. On other transcripts: non-coding transcript variant (1).
Genome position (GRCh38, 1-based): chr19:48,993,237, G>A on the plus strand (C>T on the coding strand, the complement: GYS1 is on the minus strand). VCF-style: chr19-48993237-G-A. GRCh37 (hg19) VCF-style: chr19-49496494-G-A.
Other names: c.-125C>T (NM_001161587.2).
Identifiers: ClinVar variation 329833 (VCV000329833.7), dbSNP rs2287754, ClinGen allele CA9563517.
Genomic context (GRCh38, chr19:48,993,237, plus strand): 5'-GCACCAGGTAGGGTGCGGGGCCGAGTAGCTGGTGCCCGACGGGAAGCTTGCAAGACGCTC[G>A]GCTTCCTATTGCAAGACCGCACCCCTGCCCCGAAGCGTTGGGACCTAGGCAGAAGGAGGC-3'

ClinVar aggregate classification (germline): Benign. Review status: criteria provided, multiple submitters, no conflicts (2 of 4 stars). 3 submissions from 3 submitters: Benign (3). Last evaluated 2018-06-16.

Conditions:
Glycogen storage disease due to muscle and heart glycogen synthase deficiency. Also called: GSD 0b; MUSCLE GLYCOGEN SYNTHASE DEFICIENCY. Identifiers: Orphanet 137625, MedGen C1969054, MONDO:0012693, OMIM 611556.

Allele frequency attached by ClinVar (database versions not stated): 1000 Genomes Project 0.06290; 1000 Genomes Project 30x 0.06293; TOPMed 0.07053; gnomAD 0.07414 and 0.07560; ExAC 0.09187.

Submissions (3):

GeneDx
Classification: Benign. Last evaluated: 2018-06-16. Review status: criteria provided, single submitter. Criteria: GeneDx Variant Classification (06012015). Collection method: clinical testing. Allele origin: germline. Affected: yes.
Comment: This variant is considered likely benign or benign based on one or more of the following criteria: it is a conservative change, it occurs at a poorly conserved position in the protein, it is predicted to be benign by multiple in silico algorithms, and/or has population frequency not consistent with disease.

Illumina Laboratory Services, Illumina
Classification: Benign for Glycogen storage disease due to muscle and heart glycogen synthase deficiency. Last evaluated: 2018-01-13. Review status: criteria provided, single submitter. Criteria: ICSL Variant Classification Criteria 13 December 2019. Collection method: clinical testing. Allele origin: germline.
Comment: This variant was observed in the ICSL laboratory as part of a predisposition screen in an ostensibly healthy population. It had not been previously curated by ICSL or reported in the Human Gene Mutation Database (HGMD: prior to June 1st, 2018), and was therefore a candidate for classification through an automated scoring system. Utilizing variant allele frequency, disease prevalence and penetrance estimates, and inheritance mode, an automated score was calculated to assess if this variant is too frequent to cause the disease. Based on the score and internal cut-off values, a variant classified as benign is not then subjected to further curation. The score for this variant resulted in a classification of benign for this disease.

Breakthrough Genomics
Classification: Benign. Review status: criteria provided, single submitter. Criteria: ACMG Guidelines, 2015. Collection method: not provided. Allele origin: germline. Inheritance: Autosomal recessive inheritance. Affected: yes.